The following is an entry in ClinVar:

NM_001378743.1(CYLD):c.*5086A>G

Genes: CYLD (CYLD lysine 63 deubiquitinase; plus strand), CYLD-AS2 (CYLD antisense RNA 2; minus strand). Cytogenetic location: 16q12.1.
Variant type: single nucleotide variant.
Coding change: c.*5086A>G on transcript NM_001378743.1 (MANE Select); 5086 bases downstream of the stop codon, A replaced by G.
Molecular consequence: 3 prime UTR variant. On other transcripts: non-coding transcript variant (1).
Genome position (GRCh38, 1-based): chr16:50,801,594, A>G. VCF-style: chr16-50801594-A-G. GRCh37 (hg19) VCF-style: chr16-50835505-A-G.
Other names: c.*5086A>G (NM_001042355.2, NM_001042412.3, NM_001378744.1 and 12 more transcripts).
Identifiers: ClinVar variation 319572 (VCV000319572.5), dbSNP rs572929759, ClinGen allele CA10647666.
Genomic context (GRCh38, chr16:50,801,594, plus strand): 5'-TTGGTTTTAGTTTATAAAATGGCCTAGTACTGTGGAATTTTAATTTTAGAAAGTCTTAGC[A>G]TCAGATCATAAACATTCATTAAAAGAACTCACATCCCATCTGAAACTTCCCAGGGGAGTT-3'

ClinVar aggregate classification (germline): Benign. Review status: criteria provided, single submitter (1 of 4 stars). 3 submissions from 1 submitter: Benign (3). Last evaluated 2018-01-13.

Conditions:
Familial multiple trichoepitheliomata. Also called: Familial multiple trichoepithelioma. Identifiers: Orphanet 79493, Orphanet 867, MedGen C1275122, MONDO:0011114.
Brooke-Spiegler syndrome. Also called: CYLD Cutaneous Syndrome. Identifiers: Orphanet 79493, MedGen C1857941, MONDO:0011512, OMIM 605041.
Familial cylindromatosis. Also called: Turban tumor syndrome; ANCELL-SPIEGLER CYLINDROMAS. Identifiers: Orphanet 211, Orphanet 79493, MedGen C1851526, MONDO:0007565, OMIM 132700.

Allele frequency attached by ClinVar (database versions not stated): gnomAD 0.00010 and 0.00015; TOPMed 0.00019; gnomAD exomes 0.00031; 1000 Genomes Project 30x 0.00125; 1000 Genomes Project 0.00140.
gnomAD v4.1: 46 of 233,772 alleles (0.02%); highest among the groups gnomAD compares: East Asian, 0.27%; no homozygotes.

Submissions (3):

Illumina Laboratory Services, Illumina
Classification: Benign for Familial cylindromatosis. Last evaluated: 2018-01-13. Review status: criteria provided, single submitter. Criteria: ICSL Variant Classification Criteria 13 December 2019. Collection method: clinical testing. Allele origin: germline.
Comment: This variant was observed in the ICSL laboratory as part of a predisposition screen in an ostensibly healthy population. It had not been previously curated by ICSL or reported in the Human Gene Mutation Database (HGMD: prior to June 1st, 2018), and was therefore a candidate for classification through an automated scoring system. Utilizing variant allele frequency, disease prevalence and penetrance estimates, and inheritance mode, an automated score was calculated to assess if this variant is too frequent to cause the disease. Based on the score and internal cut-off values, a variant classified as benign is not then subjected to further curation. The score for this variant resulted in a classification of benign for this disease.

Illumina Laboratory Services, Illumina
Classification: Benign for Brooke-Spiegler syndrome. Last evaluated: 2018-01-13. Review status: criteria provided, single submitter. Criteria: ICSL Variant Classification Criteria 13 December 2019. Collection method: clinical testing. Allele origin: germline.
Comment: the same text as in the submission from Illumina Laboratory Services, Illumina above.

Illumina Laboratory Services, Illumina
Classification: Benign for Trichoepithelioma, multiple familial, 1. Last evaluated: 2018-01-13. Review status: criteria provided, single submitter. Criteria: ICSL Variant Classification Criteria 13 December 2019. Collection method: clinical testing. Allele origin: germline.
Comment: the same text as in the submission from Illumina Laboratory Services, Illumina above.